The following is an entry in ClinVar:

NM_003849.4(SUCLG1):c.827G>T (p.Gly276Val)

Gene: SUCLG1 (succinate-CoA ligase GDP/ADP-forming subunit alpha; minus strand). Cytogenetic location: 2p11.2.
Variant type: single nucleotide variant.
Coding change: c.827G>T on transcript NM_003849.4 (MANE Select); coding-DNA position 827, G replaced by T.
Protein change: p.Gly276Val; replaces glycine 276 with valine.
Molecular consequence: missense variant.
Genome position (GRCh38, 1-based): chr2:84,425,602, C>A on the plus strand (G>T on the coding strand, the complement: SUCLG1 is on the minus strand). VCF-style: chr2-84425602-C-A. GRCh37 (hg19) VCF-style: chr2-84652726-C-A.
Other names: short protein forms G276V.
Identifiers: ClinVar variation 440312 (VCV000440312.13), dbSNP rs777671418, ClinGen allele CA1736151.

ClinVar aggregate classification (germline): Uncertain significance. Review status: criteria provided, multiple submitters, no conflicts (2 of 4 stars). 3 submissions from 3 submitters: Uncertain significance (3). Last evaluated 2023-07-25.

Conditions:
Inborn genetic diseases. Identifiers: MedGen C0950123, MeSH D030342.
Mitochondrial DNA depletion syndrome 9 (MTDPS9). Also called: SUCLG1-Related Mitochondrial DNA Depletion Syndrome, Encephalomyopathic Form with Methylmalonic Aciduria. Identifiers: Orphanet 17, MedGen C3151476, MONDO:0009504, OMIM 245400.

Allele frequency attached by ClinVar (database versions not stated): gnomAD 0.00001 and 0.00003; gnomAD exomes 0.00002 and 0.00004; ExAC 0.00003; TOPMed 0.00004.
gnomAD v4.1: 16 of 1,614,130 alleles (0.00099%); highest among the groups gnomAD compares: Admixed American, 0.027%; no homozygotes.

Submissions (3):

Ambry Genetics
Classification: Uncertain significance for Inborn genetic diseases. Last evaluated: 2023-07-25. Review status: criteria provided, single submitter. Criteria: Ambry Variant Classification Scheme 2023. Collection method: clinical testing. Allele origin: germline.

Labcorp Genetics (formerly Invitae), Labcorp
Classification: Uncertain significance for Mitochondrial DNA depletion syndrome 9. Last evaluated: 2022-08-15. Review status: criteria provided, single submitter. Criteria: Invitae Variant Classification Sherloc (09022015). Collection method: clinical testing. Allele origin: germline.
Comment: This sequence change replaces glycine, which is neutral and non-polar, with valine, which is neutral and non-polar, at codon 276 of the SUCLG1 protein (p.Gly276Val). This variant is present in population databases (rs777671418, gnomAD 0.03%). This variant has not been reported in the literature in individuals affected with SUCLG1-related conditions. ClinVar contains an entry for this variant (Variation ID: 440312). Algorithms developed to predict the effect of missense changes on protein structure and function are either unavailable or do not agree on the potential impact of this missense change (SIFT: "Deleterious"; PolyPhen-2: "Probably Damaging"; Align-GVGD: "Class C0"). In summary, the available evidence is currently insufficient to determine the role of this variant in disease. Therefore, it has been classified as a Variant of Uncertain Significance.

ARUP Laboratories, Molecular Genetics and Genomics, ARUP Laboratories
Classification: Uncertain significance. Last evaluated: 2017-05-02. Review status: criteria provided, single submitter. Criteria: ARUP Molecular Germline Variant Investigation Process. Collection method: clinical testing. Allele origin: germline.
Comment: The p.Gly276Val variant (rs777671418) has not been reported in the medical literature, is not listed in gene-specific variant databases, nor has it been previously identified in our laboratory. It is listed in the Genome Aggregation Database (gnomAD) browser with a frequency in Latino populations of 0.027% (identified in 9 out of 33,556 chromosomes). The glycine at codon 276 is highly conserved considering 11 species up to C. elegans (Alamut software v2.8.1), and computational analyses suggest this variant has a significant effect on SUCLG1 protein structure/function (SIFT: damaging and PolyPhen2: probably damaging). However, based on the available information, the clinical significance of the p.Gly276Val variant cannot be determined with certainty.